The following is an entry in ClinVar:

ClinVar aggregate classification (germline): Uncertain significance (1 of 4 stars; one submission).

Conditions:
Inborn genetic diseases. Identifiers: MedGen C0950123, MeSH D030342.

gnomAD v4.1: 1 of 1,595,424 alleles (0.000063%); highest among the groups gnomAD compares: South Asian, 0.0011%; no homozygotes.

Submission:

Ambry Genetics
Classification: Uncertain significance for Inborn genetic diseases. Last evaluated: 2026-07-13. Review status: criteria provided, single submitter. Criteria: Ambry Variant Classification Scheme 2023. Collection method: clinical testing. Allele origin: germline.
Comment: The p.P419H variant (also known as c.1256C>A), located in coding exon 11 of the ANKRD26 gene, results from a C to A substitution at nucleotide position 1256. The proline at codon 419 is replaced by histidine, an amino acid with similar properties. This amino acid position is conserved. In addition, this alteration is predicted to be tolerated by in silico analysis. Based on the available evidence, the clinical significance of this variant remains unclear.

NM_014915.3(ANKRD26):c.1256C>A (p.Pro419His)

Gene: ANKRD26 (ankyrin repeat domain 26; minus strand). Cytogenetic location: 10p12.1.
Variant type: single nucleotide variant.
Coding change: c.1256C>A on transcript NM_014915.3 (MANE Select); coding-DNA position 1256, C replaced by A.
Protein change: p.Pro419His; replaces proline 419 with histidine.
Molecular consequence: missense variant.
Genome position (GRCh38, 1-based): chr10:27,066,500, G>T on the plus strand (C>A on the coding strand, the complement: ANKRD26 is on the minus strand). VCF-style: chr10-27066500-G-T. GRCh37 (hg19) VCF-style: chr10-27355429-G-T.
Other names: c.1256C>A, p.Pro419His (NM_001256053.2); short protein forms P419H.
Identifiers: ClinVar variation 5023043 (VCV005023043.1).